The following is an entry in ClinVar:

ClinVar aggregate classification (germline): Pathogenic (1 of 4 stars; one submission).

Conditions:
Nemaline myopathy 8 (NEM8). Also called: Nemaline myopathy 8, autosomal recessive. Identifiers: Orphanet 171430, MedGen C3809209, MONDO:0014138, OMIM 615348.

Submission:

Labcorp Genetics (formerly Invitae), Labcorp
Classification: Pathogenic for Nemaline myopathy 8. Last evaluated: 2023-01-03. Review status: criteria provided, single submitter. Criteria: Invitae Variant Classification Sherloc (09022015). Collection method: clinical testing. Allele origin: germline.
Comment: This sequence change creates a premature translational stop signal (p.Asp484Glyfs*6) in the KLHL40 gene. It is expected to result in an absent or disrupted protein product. Loss-of-function variants in KLHL40 are known to be pathogenic (PMID: 23746549). For these reasons, this variant has been classified as Pathogenic. This variant has not been reported in the literature in individuals affected with KLHL40-related conditions. This variant is not present in population databases (gnomAD no frequency).

Literature cited by the submitters: PubMed 23746549.

NM_152393.4(KLHL40):c.1450dup (p.Asp484fs)

Gene: KLHL40 (kelch like family member 40; plus strand). Cytogenetic location: 3p22.1.
Variant type: Duplication.
Coding change: c.1450dup on transcript NM_152393.4 (MANE Select); coding-DNA position 1450, one base duplicated (G; older notation c.1450dupG).
Protein change: p.Asp484fs; shifts the reading frame from aspartic acid 484.
Molecular consequence: frameshift variant.
Genome position (GRCh38, 1-based): chr3:42,688,897, G duplicated. VCF-style (leftmost placement, unchanged base first): chr3-42688896-T-TG. GRCh37 (hg19) VCF-style: chr3-42730388-T-TG.
Other names: short protein forms D484fs.
Identifiers: ClinVar variation 2826151 (VCV002826151.3), dbSNP rs2471311897, ClinGen allele CA2739271187.
Genomic context (GRCh38, chr3:42,688,896, plus strand): 5'-TCTCTCCACCCATCCCCACCCTCCACCCCACAGGAAGTGCCTGAACAAGATGTGCGTCTA[T>TG]GACCCCAAGAAGTTTGAGTGGAAGGAGCTGGCACCCATGCAGACCGCCCGCTCACTCTTT-3'